The following is an entry in ClinVar:

ClinVar aggregate classification (germline): Likely pathogenic (1 of 4 stars; one submission).

Submission:

GeneDx
Classification: Likely pathogenic. Last evaluated: 2026-09-11. Review status: criteria provided, single submitter. Criteria: GeneDx Variant Classification Process June 2021. Collection method: clinical testing. Allele origin: germline.
Comment: Not observed at significant frequency in large population cohorts (gnomAD); In silico analysis supports that this missense variant has a deleterious effect on protein structure/function; Has not been previously published as pathogenic or benign to our knowledge

NM_001613.4(ACTA2):c.1076T>G (p.Ile359Ser)

Genes: ACTA2 (actin alpha 2, smooth muscle; minus strand), ACTA2-AS1 (ACTA2 antisense RNA 1; plus strand). Cytogenetic location: 10q23.31.
Variant type: single nucleotide variant.
Coding change: c.1076T>G on transcript NM_001613.4 (MANE Select); coding-DNA position 1076, T replaced by G.
Protein change: p.Ile359Ser; replaces isoleucine 359 with serine.
Molecular consequence: missense variant. On other transcripts: non-coding transcript variant (1).
Genome position (GRCh38, 1-based): chr10:88,935,281, A>C on the plus strand (T>G on the coding strand, the complement: ACTA2 is on the minus strand). VCF-style: chr10-88935281-A-C. GRCh37 (hg19) VCF-style: chr10-90695038-A-C.
Other names: c.1076T>G, p.Ile359Ser (NM_001141945.3, NM_001320855.2, NM_001406462.1 and 2 more transcripts); c.965T>G, p.Ile322Ser (NM_001406466.1); c.947T>G, p.Ile316Ser (NM_001406467.1, NM_001406468.1, NM_001406469.1); c.884T>G, p.Ile295Ser (NM_001406471.1); short protein forms I359S, I316S, I295S, I322S.
Identifiers: ClinVar variation 1700983 (VCV001700983.5), dbSNP rs2133237860, ClinGen allele CA377510446.